The following is an entry in ClinVar:

NM_178148.4(SLC35B2):c.1218_1220del (p.Leu407del)

Gene: SLC35B2 (solute carrier family 35 member B2; minus strand). Cytogenetic location: 6p21.1.
Variant type: Deletion.
Coding change: c.1218_1220del on transcript NM_178148.4 (MANE Select); coding-DNA positions 1218 to 1220, 3 bases deleted (GCT; older notation c.1218_1220delGCT).
Protein change: p.Leu407del; deletes leucine 407.
Molecular consequence: inframe deletion.
Genome position (GRCh38, 1-based): chr6:44,254,785-44,254,787, AGC deleted on the plus strand (GCT on the coding strand, the reverse complement: SLC35B2 is on the minus strand); deleting any 3 consecutive bases within chr6:44,254,785-44,254,789 gives the same sequence; the c. name uses the placement nearest the transcript's 3' end. VCF-style (leftmost placement, unchanged base first): chr6-44254784-GAGC-G. GRCh37 (hg19) VCF-style: chr6-44222521-GAGC-G.
Other names: c.1203_1205del, p.Leu402del (NM_001286509.2, NM_001286510.2); c.1071_1073del, p.Leu358del (NM_001286511.2, NM_001286512.2); c.939_941del, p.Leu314del (NM_001286513.2); c.903_905del, p.Leu302del (NM_001286517.2); c.819_821del, p.Leu274del (NM_001286519.2, NM_001286520.2); c.1218_1220del (NM_178148.3); short protein forms L274del, L302del, L314del, L358del, L402del, L407del.
Identifiers: ClinVar variation 984534 (VCV000984534.3), dbSNP rs760851221, ClinGen allele CA138353501.

ClinVar aggregate classification (germline): Pathogenic. Review status: no assertion criteria provided (0 of 4 stars). 2 submissions from 2 submitters: Pathogenic (2). Last evaluated 2023-02-28.

Conditions:
Leukodystrophy, hypomyelinating, 26, with chondrodysplasia (HLD26). Also called: CHONDRODYSPLASIA WITH HYPOMYELINATING LEUKODYSTROPHY. Identifiers: MedGen C5830312, MONDO:0859518, OMIM 620269.
Primary bone dysplasia with multiple joint dislocations. Identifiers: Orphanet 93441, MedGen C5680275, MONDO:0800086, MONDO:0019700.

Submissions (2):

OMIM
Classification: Pathogenic for LEUKODYSTROPHY, HYPOMYELINATING, 26, WITH CHONDRODYSPLASIA. Last evaluated: 2023-02-28. Review status: no assertion criteria provided. Collection method: literature only. Allele origin: germline.

Cormier-Daire Lab, IMAGINE
Classification: Pathogenic for Primary bone dysplasia with multiple joint dislocations. Last evaluated: 2020-10-09. Review status: no assertion criteria provided. Collection method: research. Allele origin: inherited. Inheritance: Autosomal recessive inheritance. Affected: yes. Observed: 1 homozygote.
Comment: This variant was absent from large population studies (such as gnomAD). SLC35B2 encodes an adenosine 3'-phospho 5'-phosphosulfate (PAPS) transporter, located at the Golgi apparatus membrane. By functional analyses, we showed that the mutation affects SLC35B2 mRNA expression and the protein subcellular localization most likely leading to a loss of function of the protein. Consistent with those results, we detected a proteoglycan sulfation impairment in SLC35B2 patient fibroblasts and serum, as compared to control individuals. Together, our data support that SLC35B2 is a new gene involved in the physiopathology of chondrodysplasia with multiple dislocations and brain anomalies, most likely through a proteoglycan sulfation defect and that the p.Leu407del variant meets our criteria to be classified as pathogenic based upon segregation studies, absence from controls, and functional evidence.

Literature cited by the submitters: PubMed 35325049 (cited by OMIM).